The following is an entry in ClinVar:

NM_006208.3(ENPP1):c.2321G>A (p.Arg774His)

Gene: ENPP1 (ectonucleotide pyrophosphatase/phosphodiesterase 1; plus strand). Cytogenetic location: 6q23.2.
Variant type: single nucleotide variant.
Coding change: c.2321G>A on transcript NM_006208.3 (MANE Select); coding-DNA position 2321, G replaced by A.
Protein change: p.Arg774His; replaces arginine 774 with histidine.
Molecular consequence: missense variant.
Genome position (GRCh38, 1-based): chr6:131,884,940, G>A. VCF-style: chr6-131884940-G-A. GRCh37 (hg19) VCF-style: chr6-132206080-G-A.
Other names: c.2321G>A (NM_006208.2); short protein forms R774H.
Identifiers: ClinVar variation 2180444 (VCV002180444.6), dbSNP rs546032693, ClinGen allele CA4002505.

ClinVar aggregate classification (germline): Conflicting classifications of pathogenicity. Review status: criteria provided, conflicting classifications (1 of 4 stars). 3 submissions from 3 submitters: Uncertain significance (2); Likely benign (1). Last evaluated 2025-10-27.

Conditions:
Inborn genetic diseases. Identifiers: MedGen C0950123, MeSH D030342.
ENPP1-related disorder. Also called: ENPP1-related condition; ENPP1-related disorders.

Allele frequency attached by ClinVar (database versions not stated): ExAC 0.00002; gnomAD 0.00004; TOPMed 0.00005; 1000 Genomes Project 30x 0.00016; 1000 Genomes Project 0.00020.
gnomAD v4.1: 66 of 1,613,956 alleles (0.0041%); highest among the groups gnomAD compares: Admixed American, 0.015%; no homozygotes.

Submissions (3):

Labcorp Genetics (formerly Invitae), Labcorp
Classification: Uncertain significance. Last evaluated: 2025-10-27. Review status: criteria provided, single submitter. Criteria: Invitae Variant Classification Sherloc (09022015). Collection method: clinical testing. Allele origin: germline.
Comment: This sequence change replaces arginine, which is basic and polar, with histidine, which is basic and polar, at codon 774 of the ENPP1 protein (p.Arg774His). This variant is present in population databases (rs546032693, gnomAD 0.01%). This variant has not been reported in the literature in individuals affected with ENPP1-related conditions. ClinVar contains an entry for this variant (Variation ID: 2180444). Invitae Evidence Modeling of protein sequence and biophysical properties (such as structural, functional, and spatial information, amino acid conservation, physicochemical variation, residue mobility, and thermodynamic stability) indicates that this missense variant is not expected to disrupt ENPP1 protein function with a negative predictive value of 80%. In summary, the available evidence is currently insufficient to determine the role of this variant in disease. Therefore, it has been classified as a Variant of Uncertain Significance.

Ambry Genetics
Classification: Likely benign for Inborn genetic diseases. Last evaluated: 2024-10-21. Review status: criteria provided, single submitter. Criteria: Ambry Variant Classification Scheme 2023. Collection method: clinical testing. Allele origin: germline.

PreventionGenetics, part of Exact Sciences
Classification: Uncertain significance for ENPP1-related condition. Last evaluated: 2023-07-24. Review status: criteria provided, single submitter. Criteria: ACMG Guidelines, 2015. Collection method: clinical testing. Allele origin: germline.
Comment: The ENPP1 c.2321G>A variant is predicted to result in the amino acid substitution p.Arg774His. To our knowledge, this variant has not been reported in the literature. This variant is reported in 0.011% of alleles in individuals of Latino descent in gnomAD. At this time, the clinical significance of this variant is uncertain due to the absence of conclusive functional and genetic evidence.